The following is an entry in ClinVar:

NM_024334.3(TMEM43):c.12+2T>C

Gene: TMEM43 (transmembrane protein 43; plus strand). Cytogenetic location: 3p25.1.
Variant type: single nucleotide variant.
Coding change: c.12+2T>C on transcript NM_024334.3 (MANE Select); the canonical splice donor site of the intron after coding-DNA position 12, T replaced by C.
Molecular consequence: splice donor variant.
Genome position (GRCh38, 1-based): chr3:14,125,207, T>C. VCF-style: chr3-14125207-T-C. GRCh37 (hg19) VCF-style: chr3-14166707-T-C.
Other names: c.12+2T>C (NM_001407274.1, NM_001407276.1, NM_001407275.1 and 4 more transcripts).
Identifiers: ClinVar variation 2788013 (VCV002788013.3), dbSNP rs1016495734, ClinGen allele CA69727261.

ClinVar aggregate classification (germline): Uncertain significance (1 of 4 stars; one submission).

Conditions:
Arrhythmogenic right ventricular dysplasia 5. Also called: Arrhythmogenic Right Ventricular Dysplasia/Cardiomyopathy 5; ARRHYTHMOGENIC RIGHT VENTRICULAR DYSPLASIA, FAMILIAL, 5. Identifiers: MedGen C1858379, MONDO:0011459, OMIM 604400.

Allele frequency attached by ClinVar (database versions not stated): TOPMed below 0.00001.

Submission:

Labcorp Genetics (formerly Invitae), Labcorp
Classification: Uncertain significance for Arrhythmogenic right ventricular dysplasia 5. Last evaluated: 2023-06-23. Review status: criteria provided, single submitter. Criteria: Invitae Variant Classification Sherloc (09022015). Collection method: clinical testing. Allele origin: germline.
Comment: In summary, the available evidence is currently insufficient to determine the role of this variant in disease. Therefore, it has been classified as a Variant of Uncertain Significance. Algorithms developed to predict the effect of sequence changes on RNA splicing suggest that this variant may disrupt the consensus splice site. This variant has not been reported in the literature in individuals affected with TMEM43-related conditions. This variant is not present in population databases (gnomAD no frequency). This sequence change affects a donor splice site in intron 1 of the TMEM43 gene. It is expected to disrupt RNA splicing. Variants that disrupt the donor or acceptor splice site typically lead to a loss of protein function (PMID: 16199547), however the current clinical and genetic evidence is not sufficient to establish whether loss-of-function variants in TMEM43 cause disease.

Literature cited by the submitters: PubMed 16199547.